The following is an entry in ClinVar:

NM_001080467.3(MYO5B):c.1923T>C (p.His641=)

Gene: MYO5B (myosin VB; minus strand). Cytogenetic location: 18q21.1.
Variant type: single nucleotide variant.
Coding change: c.1923T>C on transcript NM_001080467.3 (MANE Select); coding-DNA position 1923, T replaced by C.
Protein change: p.His641=; no amino-acid change (histidine 641 retained).
Molecular consequence: synonymous variant.
Genome position (GRCh38, 1-based): chr18:49,936,332, A>G on the plus strand (T>C on the coding strand, the complement: MYO5B is on the minus strand). VCF-style: chr18-49936332-A-G. GRCh37 (hg19) VCF-style: chr18-47462702-A-G.
Other names: c.1923T>C (NM_001080467.2).
Identifiers: ClinVar variation 2961669 (VCV002961669.4), dbSNP rs766350997, ClinGen allele CA8961310.

ClinVar aggregate classification (germline): Benign/Likely benign. Review status: criteria provided, multiple submitters, no conflicts (2 of 4 stars). 2 submissions from 2 submitters: Benign (1); Likely benign (1). Last evaluated 2026-05-28.

Conditions:
MYO5B-related disorder. Also called: MYO5B-related condition.

Allele frequency attached by ClinVar (database versions not stated): TOPMed 0.00002; gnomAD 0.00005; gnomAD exomes 0.00006; ExAC 0.00024.
gnomAD v4.1: 96 of 1,600,350 alleles (0.006%); highest among the groups gnomAD compares: South Asian, 0.1%; 1 homozygote.

Submissions (2):

PreventionGenetics, part of Exact Sciences
Classification: Likely benign for MYO5B-related condition. Last evaluated: 2026-05-28. Review status: criteria provided, single submitter. Criteria: ACMG Guidelines, 2015. Collection method: clinical testing. Allele origin: germline.
Comment: This variant is classified as likely benign based on ACMG/AMP sequence variant interpretation guidelines (Richards et al. 2015 PMID: 25741868, with internal and published modifications).

Labcorp Genetics (formerly Invitae), Labcorp
Classification: Benign. Last evaluated: 2024-01-22. Review status: criteria provided, single submitter. Criteria: Invitae Variant Classification Sherloc (09022015). Collection method: clinical testing. Allele origin: germline.